The following is an entry in ClinVar:

NM_001267550.2(TTN):c.18777C>A (p.Thr6259=)

Genes: TTN (titin; minus strand), LOC126806430 (BRD4-independent group 4 enhancer GRCh37_chr2:179593794-179594993; plus strand). Cytogenetic location: 2q31.2.
Variant type: single nucleotide variant.
Coding change: c.18777C>A on transcript NM_001267550.2 (MANE Select); coding-DNA position 18777, C replaced by A.
Protein change: p.Thr6259=; no amino-acid change (threonine 6259 retained).
Molecular consequence: synonymous variant. On other transcripts: intron variant (3).
Genome position (GRCh38, 1-based): chr2:178,729,379, G>T on the plus strand (C>A on the coding strand, the complement: TTN is on the minus strand). VCF-style: chr2-178729379-G-T. GRCh37 (hg19) VCF-style: chr2-179594106-G-T.
Other names: c.17826C>A, p.Thr5942= (NM_001256850.1); c.15045C>A, p.Thr5015= (NM_133378.4); c.13282+8703C>A (NM_003319.4); c.13858+8703C>A (NM_133437.4); c.13657+8703C>A (NM_133432.3).
Identifiers: ClinVar variation 282007 (VCV000282007.14), dbSNP rs750180579, ClinGen allele CA2001540.

ClinVar aggregate classification (germline): Conflicting classifications of pathogenicity. Review status: criteria provided, conflicting classifications (1 of 4 stars). 3 submissions from 3 submitters: Uncertain significance (1); Likely benign (2). Last evaluated 2025-12-17.

Conditions:
Dilated cardiomyopathy 1G (CMD1G). Identifiers: Orphanet 154, MedGen C1858763, MONDO:0011400, OMIM 604145.
Autosomal recessive limb-girdle muscular dystrophy type 2J (LGMDR10). Also called: Limb-girdle muscular dystrophy, type 2J; MUSCULAR DYSTROPHY, LIMB-GIRDLE, AUTOSOMAL RECESSIVE 10. Identifiers: Orphanet 140922, MedGen C1837342, MONDO:0012127, OMIM 608807.

Allele frequency attached by ClinVar (database versions not stated): ExAC 0.00002; gnomAD exomes 0.00002; TOPMed 0.00002.
gnomAD v4.1: 11 of 1,613,444 alleles (0.00068%); highest among the groups gnomAD compares: African/African-American, 0.011%; no homozygotes.

Submissions (3):

Labcorp Genetics (formerly Invitae), Labcorp
Classification: Likely benign for Dilated cardiomyopathy 1G; Autosomal recessive limb-girdle muscular dystrophy type 2J. Last evaluated: 2025-12-17. Review status: criteria provided, single submitter. Criteria: Invitae Variant Classification Sherloc (09022015). Collection method: clinical testing. Allele origin: germline.

GeneDx
Classification: Likely benign. Last evaluated: 2017-11-01. Review status: criteria provided, single submitter. Criteria: GeneDx Variant Classification (06012015). Collection method: clinical testing. Allele origin: germline. Affected: yes.
Comment: This variant is considered likely benign or benign based on one or more of the following criteria: it is a conservative change, it occurs at a poorly conserved position in the protein, it is predicted to be benign by multiple in silico algorithms, and/or has population frequency not consistent with disease.

Eurofins Ntd Llc (ga)
Classification: Uncertain significance. Last evaluated: 2015-07-18. Review status: criteria provided, single submitter. Criteria: EGL Classification Definitions 2015. Collection method: clinical testing. Allele origin: germline. Observed: 1 variant allele, 1 heterozygote.